The following is an entry in ClinVar:

NM_016648.4(LARP7):c.782_783del (p.Gly260_Ser261insTer)

Genes: LARP7 (La ribonucleoprotein 7, transcriptional regulator; plus strand), MIR302CHG (miR-302/367 cluster host gene; minus strand). Cytogenetic location: 4q25.
Variant type: Microsatellite.
Coding change: c.782_783del on transcript NM_016648.4 (MANE Select); coding-DNA positions 782 to 783, 2 bases deleted (CT; older notation c.782_783delCT).
Protein change: p.Gly260_Ser261insTer.
Molecular consequence: nonsense.
Genome position (GRCh38, 1-based): chr4:112,647,334-112,647,335, CT deleted; deleting any 2 consecutive bases within chr4:112,647,332-112,647,335 gives the same sequence; the c. name uses the placement nearest the transcript's 3' end. VCF-style (leftmost placement, unchanged base first): chr4-112647331-GCT-G. GRCh37 (hg19) VCF-style: chr4-113568487-GCT-G.
Other names: c.779_780del, p.Gly259_Ser260insTer (NM_001370980.1, NM_001370976.1, NM_001370977.1 and 1 more transcripts); c.545_546del, p.Gly181_Ser182insTer (NM_001370981.1, NM_001370982.1); c.782_783del, p.Gly260_Ser261insTer (NM_015454.3, NM_001267039.4, NM_001370974.1 and 2 more transcripts).
Identifiers: ClinVar variation 426689 (VCV000426689.7), dbSNP rs1085307746, ClinGen allele CA645294033.
Genomic context (GRCh38, chr4:112,647,331, plus strand): 5'-ACATGGACACAAGCAACACCAGCATCAGTAAAATGAAAAGATCCAGACCCACATCTGAGG[GCT>G]CTGACATTGAGTCCACTGAACCCCAAAAGCAGTGCTCAAAGAAAAAGAAAAAACGGGACA-3'

ClinVar aggregate classification (germline): Pathogenic/Likely pathogenic. Review status: criteria provided, multiple submitters, no conflicts (2 of 4 stars). 3 submissions from 3 submitters: Pathogenic (2); Likely pathogenic (1). Last evaluated 2024-12-06.

Conditions:
Microcephalic primordial dwarfism, Alazami type. Also called: FACIAL DYSMORPHISM, INTELLECTUAL DISABILITY, AND PRIMORDIAL DWARFISM; Alazami syndrome. Identifiers: Orphanet 319671, MedGen C3554439, MONDO:0014031, OMIM 615071.

Submissions (3):

Laboratorio de Genetica e Diagnostico Molecular, Hospital Israelita Albert Einstein
Classification: Likely pathogenic for Microcephalic primordial dwarfism, Alazami type. Last evaluated: 2024-12-06. Review status: criteria provided, single submitter. Criteria: ACMG Guidelines, 2015. Collection method: clinical testing. Allele origin: germline. Affected: yes.
Comment: ACMG classification criteria: PVS1 very strong, PM2 supporting

Labcorp Genetics (formerly Invitae), Labcorp
Classification: Pathogenic. Last evaluated: 2024-08-21. Review status: criteria provided, single submitter. Criteria: Invitae Variant Classification Sherloc (09022015). Collection method: clinical testing. Allele origin: germline.
Comment: This sequence change creates a premature translational stop signal (p.Ser261*) in the LARP7 gene. It is expected to result in an absent or disrupted protein product. Loss-of-function variants in LARP7 are known to be pathogenic (PMID: 22865833, 26374271, 26607181). This variant is not present in population databases (gnomAD no frequency). This variant has not been reported in the literature in individuals affected with LARP7-related conditions. ClinVar contains an entry for this variant (Variation ID: 426689). For these reasons, this variant has been classified as Pathogenic.

GeneDx
Classification: Pathogenic. Last evaluated: 2017-04-07. Review status: criteria provided, single submitter. Criteria: GeneDx Variant Classification (06012015). Collection method: clinical testing. Allele origin: germline. Affected: yes.
Comment: The c.782_783delCT variant in the LARP7 gene has not been reported previously as a pathogenic variant nor as a benign variant, to our knowledge. The c.782_783delCT variant causes a frameshift, changing codon Serine 261 to a premature Stop codon, denoted p.Ser261Ter. This variant is predicted to cause loss of normal protein function either through protein truncation or nonsense-mediated mRNA decay. The c.782_783delCT variant is not observed in large population cohorts (Lek et al., 2016; 1000 Genomes Consortium et al., 2015; Exome Variant Server). We interpret c.782_783delCT as a pathogenic variant.

Literature cited by the submitters: PubMed 22865833 (cited by Labcorp Genetics (formerly Invitae), Labcorp); PubMed 26374271 (cited by Labcorp Genetics (formerly Invitae), Labcorp); PubMed 26607181 (cited by Labcorp Genetics (formerly Invitae), Labcorp).